The following is an entry in ClinVar:

NM_002098.6(GUCA1B):c.455TGG[1] (p.Val153del)

Gene: GUCA1B (guanylate cyclase activator 1B; minus strand). Cytogenetic location: 6p21.1.
Variant type: Microsatellite.
Coding change: c.455TGG[1] on transcript NM_002098.6 (MANE Select); one copy of the 3-base unit TGG starting at c.455; the reference has two copies in a row; one copy, 3 bases deleted.
Protein change: p.Val153del; deletes valine 153.
Molecular consequence: inframe deletion.
Genome position (GRCh38, 1-based): chr6:42,185,695-42,185,697, CCA deleted on the plus strand (TGG on the coding strand, the reverse complement: GUCA1B is on the minus strand); deleting any 3 consecutive bases within chr6:42,185,695-42,185,700 gives the same sequence; the position shown is the placement nearest the transcript's 3' end. VCF-style (leftmost placement, unchanged base first): chr6-42185694-TCCA-T. GRCh37 (hg19) VCF-style: chr6-42153432-TCCA-T.
Other names: short protein forms V153del.
Identifiers: ClinVar variation 1025881 (VCV001025881.8), dbSNP rs1768181076, ClinGen allele CA1623952359.

ClinVar aggregate classification (germline): Uncertain significance (1 of 4 stars; one submission).

Submission:

Labcorp Genetics (formerly Invitae), Labcorp
Classification: Uncertain significance. Last evaluated: 2022-06-13. Review status: criteria provided, single submitter. Criteria: Invitae Variant Classification Sherloc (09022015). Collection method: clinical testing. Allele origin: germline.
Comment: This variant is not present in population databases (gnomAD no frequency). This variant, c.458_460del, results in the deletion of 1 amino acid(s) of the GUCA1B protein (p.Val153del), but otherwise preserves the integrity of the reading frame. This variant has not been reported in the literature in individuals affected with GUCA1B-related conditions. In summary, the available evidence is currently insufficient to determine the role of this variant in disease. Therefore, it has been classified as a Variant of Uncertain Significance. Experimental studies and prediction algorithms are not available or were not evaluated, and the functional significance of this variant is currently unknown.